The following is an entry in ClinVar:

ClinVar aggregate classification (germline): Uncertain significance (1 of 4 stars; one submission).

Allele frequency attached by ClinVar (database versions not stated): ExAC 0.00001; gnomAD exomes 0.00001 and 0.00002; gnomAD 0.00005 and 0.00006; TOPMed 0.00006.
gnomAD v4.1: 19 of 1,614,056 alleles (0.0012%); highest among the groups gnomAD compares: African/African-American, 0.012%; no homozygotes.

Submission:

Labcorp Genetics (formerly Invitae), Labcorp
Classification: Uncertain significance. Last evaluated: 2024-08-30. Review status: criteria provided, single submitter. Criteria: Invitae Variant Classification Sherloc (09022015). Collection method: clinical testing. Allele origin: germline.
Comment: This sequence change replaces histidine, which is basic and polar, with tyrosine, which is neutral and polar, at codon 455 of the SEMA4A protein (p.His455Tyr). This variant is present in population databases (rs770846208, gnomAD 0.02%). This variant has not been reported in the literature in individuals affected with SEMA4A-related conditions. ClinVar contains an entry for this variant (Variation ID: 1485909). Invitae Evidence Modeling of protein sequence and biophysical properties (such as structural, functional, and spatial information, amino acid conservation, physicochemical variation, residue mobility, and thermodynamic stability) indicates that this missense variant is not expected to disrupt SEMA4A protein function with a negative predictive value of 80%. In summary, the available evidence is currently insufficient to determine the role of this variant in disease. Therefore, it has been classified as a Variant of Uncertain Significance.

NM_022367.4(SEMA4A):c.1363C>T (p.His455Tyr)

Gene: SEMA4A (semaphorin 4A; plus strand). Cytogenetic location: 1q22.
Variant type: single nucleotide variant.
Coding change: c.1363C>T on transcript NM_022367.4 (MANE Select); coding-DNA position 1363, C replaced by T.
Protein change: p.His455Tyr; replaces histidine 455 with tyrosine.
Molecular consequence: missense variant.
Genome position (GRCh38, 1-based): chr1:156,174,869, C>T. VCF-style: chr1-156174869-C-T. GRCh37 (hg19) VCF-style: chr1-156144660-C-T.
Other names: c.1363C>T, p.His455Tyr (NM_001193300.2, NM_001193301.2, NM_001370567.1); c.967C>T, p.His323Tyr (NM_001193302.2); c.1066C>T, p.His356Tyr (NM_001370568.1); c.856C>T, p.His286Tyr (NM_001370569.1, NM_001370571.1); short protein forms H323Y, H356Y, H286Y, H455Y.
Identifiers: ClinVar variation 1485909 (VCV001485909.8), dbSNP rs770846208, ClinGen allele CA1155345.
Genomic context (GRCh38, chr1:156,174,869, plus strand): 5'-TGTCTCCCCATAGCCACAGGGTCGCTCCACAAGGCTGTGGTAAGTGGGGACAGCAGTGCT[C>T]ATCTGGTGGAAGAGATTCAGCTGTTCCCTGACCCTGAACCTGTTCGCAACCTGCAGCTGG-3'
Protein context (NP_071762.2, residues 445-465): KAVVSGDSSA[His455Tyr]LVEEIQLFPD